The following is an entry in ClinVar:

NM_001458.5(FLNC):c.2513C>G (p.Ala838Gly)

Gene: FLNC (filamin C; plus strand). Cytogenetic location: 7q32.1.
Variant type: single nucleotide variant.
Coding change: c.2513C>G on transcript NM_001458.5 (MANE Select); coding-DNA position 2513, C replaced by G.
Protein change: p.Ala838Gly; replaces alanine 838 with glycine.
Molecular consequence: missense variant.
Genome position (GRCh38, 1-based): chr7:128,842,917, C>G. VCF-style: chr7-128842917-C-G. GRCh37 (hg19) VCF-style: chr7-128482971-C-G.
Other names: c.2513C>G, p.Ala838Gly (NM_001127487.2); short protein forms A838G.
Identifiers: ClinVar variation 2172512 (VCV002172512.5), dbSNP rs775085661, ClinGen allele CA369191885.
Genomic context (GRCh38, chr7:128,842,917, plus strand): 5'-ACTTCGACATCATCAAGAATGACAACGACACCTTCACCGTCAAGTACACGCCACCAGGGG[C>G]GGGCCGCTACACCATCATGGTGCTGTTTGCCAACCAGGTACCTAAGCTCCTGGGTACTCA-3'
Protein context (NP_001449.3, residues 828-848): TFTVKYTPPG[Ala838Gly]GRYTIMVLFA

ClinVar aggregate classification (germline): Uncertain significance. Review status: criteria provided, multiple submitters, no conflicts (2 of 4 stars). 3 submissions from 3 submitters: Uncertain significance (3). Last evaluated 2025-05-19.

Conditions:
Myofibrillar myopathy 5. Also called: Filaminopathy (type); FILAMINOPATHY, AUTOSOMAL DOMINANT. Identifiers: Orphanet 171445, MedGen C1836050, MONDO:0012289, OMIM 609524.
Hypertrophic cardiomyopathy 26. Also called: Cardiomyopathy, familial hypertrophic, 26. Identifiers: Orphanet 75249, MedGen C4310749, MONDO:0014883, OMIM 617047.
Distal myopathy with posterior leg and anterior hand involvement. Also called: WILLIAMS DISTAL MYOPATHY. Identifiers: Orphanet 63273, MedGen C3279722, MONDO:0013550, OMIM 614065.

gnomAD v4.1: 9 of 1,614,016 alleles (0.00056%); highest among the groups gnomAD compares: South Asian, 0.0011%; no homozygotes.

Submissions (3):

Labcorp Genetics (formerly Invitae), Labcorp
Classification: Uncertain significance for Distal myopathy with posterior leg and anterior hand involvement; Myofibrillar myopathy 5; Hypertrophic cardiomyopathy 26. Last evaluated: 2025-05-19. Review status: criteria provided, single submitter. Criteria: Invitae Variant Classification Sherloc (09022015). Collection method: clinical testing. Allele origin: germline.
Comment: This sequence change replaces alanine, which is neutral and non-polar, with glycine, which is neutral and non-polar, at codon 838 of the FLNC protein (p.Ala838Gly). This variant is present in population databases (no rsID available, gnomAD 0.003%). This variant has not been reported in the literature in individuals affected with FLNC-related conditions. ClinVar contains an entry for this variant (Variation ID: 2172512). Invitae Evidence Modeling of protein sequence and biophysical properties (such as structural, functional, and spatial information, amino acid conservation, physicochemical variation, residue mobility, and thermodynamic stability) has been performed for this missense variant. However, the output from this modeling did not meet the statistical confidence thresholds required to predict the impact of this variant on FLNC protein function. In summary, the available evidence is currently insufficient to determine the role of this variant in disease. Therefore, it has been classified as a Variant of Uncertain Significance.

GeneDx
Classification: Uncertain significance. Last evaluated: 2025-01-16. Review status: criteria provided, single submitter. Criteria: GeneDx Variant Classification Process June 2021. Collection method: clinical testing. Allele origin: germline. Affected: yes.
Comment: Not observed at significant frequency in large population cohorts (gnomAD); In silico analysis supports that this missense variant has a deleterious effect on protein structure/function; Has not been previously published as pathogenic or benign to our knowledge

Revvity Omics, Revvity
Classification: Uncertain significance. Last evaluated: 2023-12-12. Review status: criteria provided, single submitter. Criteria: ACMG Guidelines, 2015. Collection method: clinical testing. Allele origin: germline.